The following is an entry in ClinVar:

NM_005219.5(DIAPH1):c.1164T>C (p.Asp388=)

Gene: DIAPH1 (diaphanous related formin 1; minus strand). Cytogenetic location: 5q31.3.
Variant type: single nucleotide variant.
Coding change: c.1164T>C on transcript NM_005219.5 (MANE Select); coding-DNA position 1164, T replaced by C.
Protein change: p.Asp388=; no amino-acid change (aspartic acid 388 retained).
Molecular consequence: synonymous variant.
Genome position (GRCh38, 1-based): chr5:141,577,591, A>G on the plus strand (T>C on the coding strand, the complement: DIAPH1 is on the minus strand). VCF-style: chr5-141577591-A-G. GRCh37 (hg19) VCF-style: chr5-140957158-A-G.
Other names: c.1137T>C, p.Asp379= (NM_001079812.3); c.1164T>C, p.Asp388= (NM_001314007.2).
Identifiers: ClinVar variation 2068780 (VCV002068780.4), dbSNP rs2513754898, ClinGen allele CA446892919.

ClinVar aggregate classification (germline): Uncertain significance (1 of 4 stars; one submission).

Conditions:
Autosomal dominant nonsyndromic hearing loss 1. Also called: DEAFNESS, AUTOSOMAL DOMINANT 1, WITH OR WITHOUT THROMBOCYTOPENIA; KONIGSMARK SYNDROME. Identifiers: Orphanet 90635, MedGen C1852282, MONDO:0007424, OMIM 124900.
Progressive microcephaly-seizures-cortical blindness-developmental delay syndrome. Also called: Seizures, cortical blindness, and microcephaly syndrome. Identifiers: Orphanet 477814, MedGen C5567650, MONDO:0014714, OMIM 616632.

Allele frequency attached by ClinVar (database versions not stated): gnomAD exomes below 0.00001.
gnomAD v4.1: 1 of 1,592,808 alleles (0.000063%); highest among the groups gnomAD compares: Non-Finnish European, 0.000086%; no homozygotes.

Submission:

Labcorp Genetics (formerly Invitae), Labcorp
Classification: Uncertain significance for Progressive microcephaly-seizures-cortical blindness-developmental delay syndrome; Autosomal dominant nonsyndromic hearing loss 1. Last evaluated: 2026-02-03. Review status: criteria provided, single submitter. Criteria: Invitae Variant Classification Sherloc (09022015). Collection method: clinical testing. Allele origin: germline.
Comment: This sequence change affects codon 388 of the DIAPH1 mRNA. It is a 'silent' change, meaning that it does not change the encoded amino acid sequence of the DIAPH1 protein. It affects a nucleotide within the consensus splice site. This variant is not present in population databases (gnomAD no frequency). This variant has not been reported in the literature in individuals affected with DIAPH1-related conditions. ClinVar contains an entry for this variant (Variation ID: 2068780). Algorithms developed to predict the effect of sequence changes on RNA splicing suggest that this variant may create or strengthen a splice site. In summary, the available evidence is currently insufficient to determine the role of this variant in disease. Therefore, it has been classified as a Variant of Uncertain Significance.